The following is an entry in ClinVar:

ClinVar aggregate classification (germline): Benign (0 of 4 stars; one submission).

Conditions:
COL15A1-related disorder. Also called: COL15A1-related condition.

Allele frequency attached by ClinVar (database versions not stated): ESP Exome Variant Server 0.10457; gnomAD exomes 0.11443; gnomAD 0.11836; TOPMed 0.12157; ExAC 0.14115; 1000 Genomes Project 30x 0.16849; 1000 Genomes Project 0.17292.
gnomAD v4.1: 185,773 of 1,613,754 alleles (12%); highest among the groups gnomAD compares: East Asian, 35%; 13,348 homozygotes.

Submission:

PreventionGenetics, part of Exact Sciences
Classification: Benign for COL15A1-related condition. Last evaluated: 2019-10-21. Review status: no assertion criteria provided. Collection method: clinical testing. Allele origin: germline.
Comment: This variant is classified as benign based on ACMG/AMP sequence variant interpretation guidelines (Richards et al. 2015 PMID: 25741868, with internal and published modifications).

NM_001855.5(COL15A1):c.1761+6A>G

Gene: COL15A1 (collagen type XV alpha 1 chain; plus strand). Cytogenetic location: 9q22.33.
Variant type: single nucleotide variant.
Coding change: c.1761+6A>G on transcript NM_001855.5 (MANE Select); 6 bases into the intron after coding-DNA position 1761, A replaced by G.
Molecular consequence: intron variant.
Genome position (GRCh38, 1-based): chr9:99,022,156, A>G. VCF-style: chr9-99022156-A-G. GRCh37 (hg19) VCF-style: chr9-101784438-A-G.
Identifiers: ClinVar variation 3059283 (VCV003059283.2), dbSNP rs3739800, ClinGen allele CA5155031.
Genomic context (GRCh38, chr9:99,022,156, plus strand): 5'-TGCTGGGGAGGAGCTTCCTGGCCCTCCTGAACCTTCTGGGCCTGTTGGACCCACGGTGAG[A>G]TTCCCATCCAGGCTTGTCACACACACAGGTGTAAGACCAGGGATGCGGCCAAAACAGCCA-3'